The following is an entry in ClinVar:

ClinVar aggregate classification (germline): Uncertain significance (1 of 4 stars; one submission).

gnomAD v4.1: 1 of 1,613,462 alleles (0.000062%); no homozygotes.

Submission:

Labcorp Genetics (formerly Invitae), Labcorp
Classification: Uncertain significance. Last evaluated: 2022-08-01. Review status: criteria provided, single submitter. Criteria: Invitae Variant Classification Sherloc (09022015). Collection method: clinical testing. Allele origin: germline.
Comment: Algorithms developed to predict the effect of missense changes on protein structure and function output the following: SIFT: "Tolerated"; PolyPhen-2: "Benign"; Align-GVGD: "Class C0". The serine amino acid residue is found in multiple mammalian species, which suggests that this missense change does not adversely affect protein function. This variant has not been reported in the literature in individuals affected with TMEM126B-related conditions. This variant is present in population databases (no rsID available, gnomAD 0.006%). This sequence change replaces glycine, which is neutral and non-polar, with serine, which is neutral and polar, at codon 83 of the TMEM126B protein (p.Gly83Ser). In summary, the available evidence is currently insufficient to determine the role of this variant in disease. Therefore, it has been classified as a Variant of Uncertain Significance.

NM_018480.7(TMEM126B):c.247G>A (p.Gly83Ser)

Gene: TMEM126B (transmembrane protein 126B; plus strand). Cytogenetic location: 11q14.1.
Variant type: single nucleotide variant.
Coding change: c.247G>A on transcript NM_018480.7 (MANE Select); coding-DNA position 247, G replaced by A.
Protein change: p.Gly83Ser; replaces glycine 83 with serine.
Molecular consequence: missense variant. On other transcripts: nonsense (1), non-coding transcript variant (2).
Genome position (GRCh38, 1-based): chr11:85,634,129, G>A. VCF-style: chr11-85634129-G-A. GRCh37 (hg19) VCF-style: chr11-85345173-G-A.
Other names: c.187G>A, p.Gly63Ser (NM_001193537.3, NM_001350395.2); c.157G>A, p.Gly53Ser (NM_001193538.3, NM_001256546.2, NM_001350396.2); c.109G>A, p.Gly37Ser (NM_001256547.2); c.125G>A, p.Trp42Ter (NM_001350393.1); c.247G>A, p.Gly83Ser (NM_001350394.2); short protein forms G37S, G63S, G83S, G53S, W42*.
Identifiers: ClinVar variation 1937624 (VCV001937624.5), dbSNP rs1424519305, ClinGen allele CA381990460.